The following is an entry in ClinVar:

NM_020631.6(PLEKHG5):c.1131+4C>T

Gene: PLEKHG5 (pleckstrin homology and RhoGEF domain containing G5; minus strand). Cytogenetic location: 1p36.31.
Variant type: single nucleotide variant.
Coding change: c.1131+4C>T on transcript NM_020631.6 (MANE Select); 4 bases into the intron after coding-DNA position 1131, C replaced by T.
Molecular consequence: intron variant.
Genome position (GRCh38, 1-based): chr1:6,471,754, G>A on the plus strand (C>T on the coding strand, the complement: PLEKHG5 is on the minus strand). VCF-style: chr1-6471754-G-A. GRCh37 (hg19) VCF-style: chr1-6531814-G-A.
Other names: c.1131+4C>T (NM_198681.4, NM_001265594.3, NM_001042664.2 and 1 more transcripts); c.1242+4C>T (NM_001042663.3, NM_001265592.2); c.1338+4C>T (NM_001265593.2).
Identifiers: ClinVar variation 1728320 (VCV001728320.2), dbSNP rs2523172857, ClinGen allele CA2580062670.

ClinVar aggregate classification (germline): Uncertain significance (1 of 4 stars; one submission).

Conditions:
Inborn genetic diseases. Identifiers: MedGen C0950123, MeSH D030342.

Submission:

Ambry Genetics
Classification: Uncertain significance for Inborn genetic diseases. Last evaluated: 2021-12-08. Review status: criteria provided, single submitter. Criteria: Ambry Variant Classification Scheme 2023. Collection method: clinical testing. Allele origin: germline.
Comment: The c.1131+4C>T intronic variant results from a C to T substitution 4 nucleotides after coding exon 10 in the PLEKHG5 gene. This nucleotide position is not well conserved in available vertebrate species. In silico splice site analysis for this alteration is inconclusive. Since supporting evidence is limited at this time, the clinical significance of this alteration remains unclear.